The following is an entry in ClinVar:

NM_000368.5(TSC1):c.2477_2480dup (p.Leu828fs)

Gene: TSC1 (TSC complex subunit 1; minus strand). Cytogenetic location: 9q34.13.
Variant type: Duplication.
Coding change: c.2477_2480dup on transcript NM_000368.5 (MANE Select); coding-DNA positions 2477 to 2480, 4 bases duplicated (TGCT; older notation c.2477_2480dupTGCT).
Protein change: p.Leu828fs; shifts the reading frame from leucine 828.
Molecular consequence: frameshift variant.
Genome position (GRCh38, 1-based): chr9:132,901,611-132,901,614, AGCA duplicated on the plus strand (TGCT on the coding strand, the reverse complement: TSC1 is on the minus strand). VCF-style (leftmost placement, unchanged base first): chr9-132901610-C-CAGCA. GRCh37 (hg19) VCF-style: chr9-135776997-C-CAGCA.
Other names: c.2474_2477dup, p.Leu827fs (NM_001162426.2); c.2324_2327dup, p.Leu777fs (NM_001162427.2); c.2114_2117dup, p.Leu707fs (NM_001362177.2); short protein forms L707fs, L777fs, L827fs, L828fs.
Identifiers: ClinVar variation 1163317 (VCV001163317.10), dbSNP rs2131704033, ClinGen allele CA2499219701.

ClinVar aggregate classification (germline): Pathogenic. Review status: criteria provided, multiple submitters, no conflicts (2 of 4 stars). 2 submissions from 2 submitters: Pathogenic (2). Last evaluated 2022-04-21.

Conditions:
Tuberous sclerosis 1 (TSC1). Identifiers: Orphanet 805, MedGen C1854465, MONDO:0008612, OMIM 191100.

Submissions (2):

Labcorp Genetics (formerly Invitae), Labcorp
Classification: Pathogenic for Tuberous sclerosis 1. Last evaluated: 2022-04-21. Review status: criteria provided, single submitter. Criteria: Invitae Variant Classification Sherloc (09022015). Collection method: clinical testing. Allele origin: germline.
Comment: For these reasons, this variant has been classified as Pathogenic. ClinVar contains an entry for this variant (Variation ID: 1163317). This variant has not been reported in the literature in individuals affected with TSC1-related conditions. This variant is not present in population databases (gnomAD no frequency). This sequence change creates a premature translational stop signal (p.Leu828Alafs*13) in the TSC1 gene. It is expected to result in an absent or disrupted protein product. Loss-of-function variants in TSC1 are known to be pathogenic (PMID: 10227394, 17304050).

Mayo Clinic Laboratories, Mayo Clinic
Classification: Pathogenic. Last evaluated: 2019-09-02. Review status: criteria provided, single submitter. Criteria: ACMG Guidelines, 2015. Collection method: clinical testing. Allele origin: germline. Observed: 1 variant allele.
Comment: PVS1, PM2, PP4

Literature cited by the submitters: PubMed 10227394 (cited by Labcorp Genetics (formerly Invitae), Labcorp); PubMed 17304050 (cited by Labcorp Genetics (formerly Invitae), Labcorp).